The following is an entry in ClinVar:

NM_006005.3(WFS1):c.1637T>G (p.Val546Gly)

Gene: WFS1 (wolframin ER transmembrane glycoprotein; plus strand). Cytogenetic location: 4p16.1.
Variant type: single nucleotide variant.
Coding change: c.1637T>G on transcript NM_006005.3 (MANE Select); coding-DNA position 1637, T replaced by G.
Protein change: p.Val546Gly; replaces valine 546 with glycine.
Molecular consequence: missense variant.
Genome position (GRCh38, 1-based): chr4:6,301,432, T>G. VCF-style: chr4-6301432-T-G. GRCh37 (hg19) VCF-style: chr4-6303159-T-G.
Other names: c.1637T>G, p.Val546Gly (NM_001145853.1); short protein forms V546G.
Identifiers: ClinVar variation 2174002 (VCV002174002.4), dbSNP rs1459059399, ClinGen allele CA356176373.

ClinVar aggregate classification (germline): Uncertain significance (1 of 4 stars; one submission).

gnomAD v4.1: 1 of 1,612,526 alleles (0.000062%); no homozygotes.

Submission:

Labcorp Genetics (formerly Invitae), Labcorp
Classification: Uncertain significance. Last evaluated: 2024-06-28. Review status: criteria provided, single submitter. Criteria: Invitae Variant Classification Sherloc (09022015). Collection method: clinical testing. Allele origin: germline.
Comment: This sequence change replaces valine, which is neutral and non-polar, with glycine, which is neutral and non-polar, at codon 546 of the WFS1 protein (p.Val546Gly). This variant is not present in population databases (gnomAD no frequency). This variant has not been reported in the literature in individuals affected with WFS1-related conditions. ClinVar contains an entry for this variant (Variation ID: 2174002). Advanced modeling of protein sequence and biophysical properties (such as structural, functional, and spatial information, amino acid conservation, physicochemical variation, residue mobility, and thermodynamic stability) performed at Invitae indicates that this missense variant is not expected to disrupt WFS1 protein function with a negative predictive value of 95%. This variant disrupts the p.Val546 amino acid residue in WFS1. Other variant(s) that disrupt this residue have been determined to be pathogenic (PMID: 12754709). This suggests that this residue is clinically significant, and that variants that disrupt this residue are likely to be disease-causing. In summary, the available evidence is currently insufficient to determine the role of this variant in disease. Therefore, it has been classified as a Variant of Uncertain Significance.

Literature cited by the submitters: PubMed 12754709.